The following is an entry in ClinVar:

NM_007118.4(TRIO):c.4511G>A (p.Gly1504Asp)

Gene: TRIO (trio Rho guanine nucleotide exchange factor; plus strand). Cytogenetic location: 5p15.2.
Variant type: single nucleotide variant.
Coding change: c.4511G>A on transcript NM_007118.4 (MANE Select); coding-DNA position 4511, G replaced by A.
Protein change: p.Gly1504Asp; replaces glycine 1504 with aspartic acid.
Molecular consequence: missense variant. On other transcripts: non-coding transcript variant (1).
Genome position (GRCh38, 1-based): chr5:14,398,967, G>A. VCF-style: chr5-14398967-G-A. GRCh37 (hg19) VCF-style: chr5-14399076-G-A.
Other names: short protein forms G1504D.
Identifiers: ClinVar variation 3363606 (VCV003363606.1).

ClinVar aggregate classification (germline): Uncertain significance (1 of 4 stars; one submission).

Submission:

GeneDx
Classification: Uncertain significance. Last evaluated: 2023-10-30. Review status: criteria provided, single submitter. Criteria: GeneDx Variant Classification Process June 2021. Collection method: clinical testing. Allele origin: germline. Affected: yes.
Comment: Not observed at significant frequency in large population cohorts (gnomAD); In silico analysis supports that this missense variant has a deleterious effect on protein structure/function; Has not been previously published as pathogenic or benign to our knowledge